The following is an entry in ClinVar:

ClinVar aggregate classification (germline): Pathogenic. Review status: criteria provided, multiple submitters, no conflicts (2 of 4 stars). 2 submissions from 2 submitters: Pathogenic (2). Last evaluated 2025-08-04.

Conditions:
Hereditary cancer-predisposing syndrome. Also called: Tumor predisposition; Hereditary Cancer Syndrome; Hereditary neoplastic syndrome; Neoplastic Syndromes, Hereditary. Identifiers: Orphanet 140162, MedGen C0027672, MeSH D009386, MONDO:0015356.
Multiple endocrine neoplasia, type 1 (MEN1). Also called: WERMER SYNDROME; Endocrine adenomatosis multiple; MEN 1; MEA I; MEN I. Identifiers: Orphanet 652, MedGen C0025267, MeSH D018761, MONDO:0007540, OMIM 131100.

Submissions (2):

Ambry Genetics
Classification: Pathogenic for Hereditary cancer-predisposing syndrome. Last evaluated: 2025-08-04. Review status: criteria provided, single submitter. Criteria: Ambry Variant Classification Scheme 2023. Collection method: clinical testing. Allele origin: germline.
Comment: The p.E45Q pathogenic mutation (also known as c.133G>C), located in coding exon 1 of the MEN1 gene, results from a G to C substitution at nucleotide position 133. The glutamic acid at codon 45 is replaced by glutamine, an amino acid with highly similar properties. This variant was reported in individual(s) with features consistent with multiple endocrine neoplasia type 1 (MEN1) (Ellard S et al. Clin Endocrinol (Oxf), 2005 Feb;62:169-75; Occhi G et al. Eur J Endocrinol, 2010 Sep;163:369-76; Marini F et al. Endocrine, 2018 Oct;62:215-233; Ambry internal data). Note, this variant is also referred to as c.243G>C in the literature. This amino acid position is well conserved in available vertebrate species. In addition, this alteration is predicted to be deleterious by in silico analysis. This variant is considered to be rare based on population cohorts in the Genome Aggregation Database (gnomAD). Based on the supporting evidence, this variant is interpreted as a disease-causing mutation.

Labcorp Genetics (formerly Invitae), Labcorp
Classification: Pathogenic for Multiple endocrine neoplasia, type 1. Last evaluated: 2023-06-20. Review status: criteria provided, single submitter. Criteria: Invitae Variant Classification Sherloc (09022015). Collection method: clinical testing. Allele origin: germline.
Comment: For these reasons, this variant has been classified as Pathogenic. This variant disrupts the p.Glu45 amino acid residue in MEN1. Other variant(s) that disrupt this residue have been determined to be pathogenic (PMID: 12166655, 12746426, 17623761, 29239255). This suggests that this residue is clinically significant, and that variants that disrupt this residue are likely to be disease-causing. This sequence change replaces glutamic acid, which is acidic and polar, with glutamine, which is neutral and polar, at codon 45 of the MEN1 protein (p.Glu45Gln). This variant is not present in population databases (gnomAD no frequency). This missense change has been observed in individuals with clinical features of multiple endocrine neoplasia type 1 (PMID: 15670192, 20530095, 26224587, 29497973; Invitae). ClinVar contains an entry for this variant (Variation ID: 2137154). Advanced modeling of protein sequence and biophysical properties (such as structural, functional, and spatial information, amino acid conservation, physicochemical variation, residue mobility, and thermodynamic stability) performed at Invitae indicates that this missense variant is expected to disrupt MEN1 protein function.

Literature cited by the submitters: PubMed 15670192 (cited by Ambry Genetics and Labcorp Genetics (formerly Invitae), Labcorp); PubMed 20530095 (cited by Ambry Genetics and Labcorp Genetics (formerly Invitae), Labcorp); PubMed 29497973 (cited by Ambry Genetics and Labcorp Genetics (formerly Invitae), Labcorp); PubMed 12166655 (cited by Labcorp Genetics (formerly Invitae), Labcorp); PubMed 12746426 (cited by Labcorp Genetics (formerly Invitae), Labcorp); PubMed 17623761 (cited by Labcorp Genetics (formerly Invitae), Labcorp); PubMed 29239255 (cited by Labcorp Genetics (formerly Invitae), Labcorp); PubMed 26224587 (cited by Labcorp Genetics (formerly Invitae), Labcorp).

NM_001370259.2(MEN1):c.133G>C (p.Glu45Gln)

Gene: MEN1 (menin 1; minus strand). Cytogenetic location: 11q13.1.
Variant type: single nucleotide variant.
Coding change: c.133G>C on transcript NM_001370259.2 (MANE Select); coding-DNA position 133, G replaced by C.
Protein change: p.Glu45Gln; replaces glutamic acid 45 with glutamine.
Molecular consequence: missense variant.
Genome position (GRCh38, 1-based): chr11:64,809,977, C>G on the plus strand (G>C on the coding strand, the complement: MEN1 is on the minus strand). VCF-style: chr11-64809977-C-G. GRCh37 (hg19) VCF-style: chr11-64577449-C-G.
Other names: c.133G>C, p.Glu45Gln (NM_001370261.2, NM_001370262.2, NM_001370263.2 and 20 more transcripts); short protein forms E45Q.
Identifiers: ClinVar variation 2137154 (VCV002137154.5), dbSNP rs1114167491, ClinGen allele CA381187859.
Genomic context (GRCh38, chr11:64,809,977, plus strand): 5'-GCTGGAAGGTGAGCTCGGGAACGTTGGTAGGGATGACGCGGTTGACAGCCAGAAAATGCT[C>G]CACGAAGCCCAGCACCAAGGAAAGGAGCACCAGGTCCGGCTCCTCTCGGCCCAGCTCGGC-3'
Protein context (NP_001357188.2, residues 35-55): VLLSLVLGFV[Glu45Gln]HFLAVNRVIP